The following is an entry in ClinVar:

NM_005751.5(AKAP9):c.6830A>G (p.His2277Arg)

Gene: AKAP9 (A-kinase anchoring protein 9; plus strand). Cytogenetic location: 7q21.2.
Variant type: single nucleotide variant.
Coding change: c.6830A>G on transcript NM_005751.5 (MANE Select); coding-DNA position 6830, A replaced by G.
Protein change: p.His2277Arg; replaces histidine 2277 with arginine.
Molecular consequence: missense variant.
Genome position (GRCh38, 1-based): chr7:92,077,760, A>G. VCF-style: chr7-92077760-A-G. GRCh37 (hg19) VCF-style: chr7-91707074-A-G.
Other names: c.1475A>G, p.His492Arg (NM_001379277.1); c.6806A>G, p.His2269Arg (NM_147185.3); short protein forms H2277R, H492R, H2269R.
Identifiers: ClinVar variation 1755686 (VCV001755686.3), dbSNP rs752762680, ClinGen allele CA161884565.

ClinVar aggregate classification (germline): Uncertain significance (1 of 4 stars; one submission).

Conditions:
Cardiovascular phenotype. Identifiers: MedGen CN230736.

Allele frequency attached by ClinVar (database versions not stated): TOPMed below 0.00001; gnomAD 0.00001; gnomAD exomes 0.00003.
gnomAD v4.1: 38 of 1,613,802 alleles (0.0024%); highest among the groups gnomAD compares: Non-Finnish European, 0.0031%; no homozygotes.

Submission:

Ambry Genetics
Classification: Uncertain significance for Cardiovascular phenotype. Last evaluated: 2022-12-09. Review status: criteria provided, single submitter. Criteria: Ambry Variant Classification Scheme 2023. Collection method: clinical testing. Allele origin: germline.
Comment: The p.H2277R variant (also known as c.6830A>G), located in coding exon 30 of the AKAP9 gene, results from an A to G substitution at nucleotide position 6830. The histidine at codon 2277 is replaced by arginine, an amino acid with highly similar properties. This amino acid position is not well conserved in available vertebrate species. In addition, this alteration is predicted to be tolerated by in silico analysis. Since supporting evidence is limited at this time, the clinical significance of this alteration remains unclear.